The following is an entry in ClinVar:

NM_000138.5(FBN1):c.890G>A (p.Gly297Glu)

Gene: FBN1 (fibrillin 1; minus strand). Cytogenetic location: 15q21.1.
Variant type: single nucleotide variant.
Coding change: c.890G>A on transcript NM_000138.5 (MANE Select); coding-DNA position 890, G replaced by A.
Protein change: p.Gly297Glu; replaces glycine 297 with glutamic acid.
Molecular consequence: missense variant.
Genome position (GRCh38, 1-based): chr15:48,526,228, C>T on the plus strand (G>A on the coding strand, the complement: FBN1 is on the minus strand). VCF-style: chr15-48526228-C-T. GRCh37 (hg19) VCF-style: chr15-48818425-C-T.
Other names: c.890G>A, p.Gly297Glu (NM_001406716.1); short protein forms G297E.
Identifiers: ClinVar variation 2055260 (VCV002055260.4), dbSNP rs1235683402, ClinGen allele CA392350444.

ClinVar aggregate classification (germline): Uncertain significance. Review status: criteria provided, multiple submitters, no conflicts (2 of 4 stars). 2 submissions from 2 submitters: Uncertain significance (2). Last evaluated 2025-03-24.

Conditions:
Familial thoracic aortic aneurysm and aortic dissection (TAAD). Also called: Thoracic aortic aneurysms and dissections. Identifiers: Orphanet 91387, MedGen C4707243, MONDO:0019625.
Marfan syndrome (MFS). Also called: MARFAN SYNDROME, TYPE I; Marfan syndrome type 1; Marfan's syndrome; Marfan syndrome, classic; FBN1-Related Marfan Syndrome. Identifiers: Orphanet 284963, Orphanet 558, MedGen C0024796, MONDO:0007947, OMIM 154700.

Allele frequency attached by ClinVar (database versions not stated): gnomAD exomes below 0.00001.

Submissions (2):

GeneDx
Classification: Uncertain significance. Last evaluated: 2025-03-24. Review status: criteria provided, single submitter. Criteria: GeneDx Variant Classification Process June 2021. Collection method: clinical testing. Allele origin: germline. Affected: yes.
Comment: Not observed at significant frequency in large population cohorts (gnomAD); In silico analysis supports that this missense variant has a deleterious effect on protein structure/function; Has not been previously published as pathogenic or benign to our knowledge; Does not affect a cysteine or calcium-binding residue within an EGF-like domain or a TGF-binding protein domain of the FBN1 gene; cysteine substitutions in the EGF-like domains represent the majority of pathogenic missense changes associated with FBN1-related disorders (PMID: 12938084); This variant is associated with the following publications: (PMID: 12938084)

Labcorp Genetics (formerly Invitae), Labcorp
Classification: Uncertain significance for Marfan syndrome; Familial thoracic aortic aneurysm and aortic dissection. Last evaluated: 2024-10-16. Review status: criteria provided, single submitter. Criteria: Invitae Variant Classification Sherloc (09022015). Collection method: clinical testing. Allele origin: germline.
Comment: This sequence change replaces glycine, which is neutral and non-polar, with glutamic acid, which is acidic and polar, at codon 297 of the FBN1 protein (p.Gly297Glu). This variant is present in population databases (no rsID available, gnomAD 0.009%). This variant has not been reported in the literature in individuals affected with FBN1-related conditions. ClinVar contains an entry for this variant (Variation ID: 2055260). Invitae Evidence Modeling of protein sequence and biophysical properties (such as structural, functional, and spatial information, amino acid conservation, physicochemical variation, residue mobility, and thermodynamic stability) indicates that this missense variant is expected to disrupt FBN1 protein function with a positive predictive value of 95%. In summary, the available evidence is currently insufficient to determine the role of this variant in disease. Therefore, it has been classified as a Variant of Uncertain Significance.